The following is an entry in ClinVar:

ClinVar aggregate classification (germline): Uncertain significance. Review status: criteria provided, multiple submitters, no conflicts (2 of 4 stars). 2 submissions from 2 submitters: Uncertain significance (2). Last evaluated 2026-01-07.

Conditions:
Hereditary cancer-predisposing syndrome. Also called: Neoplastic Syndromes, Hereditary; Hereditary neoplastic syndrome; Tumor predisposition; Hereditary Cancer Syndrome. Identifiers: Orphanet 140162, MedGen C0027672, MeSH D009386, MONDO:0015356.
Papillary renal cell carcinoma type 1 (RCCP1). Also called: RENAL CELL CARCINOMA, PAPILLARY, 1, SOMATIC; Renal adenocarcinoma; Renal cell carcinoma 1; Renal cell carcinoma, somatic. Identifiers: Orphanet 47044, MedGen C1336839, OMIM 605074, HP:0011797.

Allele frequency attached by ClinVar (database versions not stated): gnomAD exomes below 0.00001.
gnomAD v4.1: 1 of 1,613,880 alleles (0.000062%); highest among the groups gnomAD compares: Non-Finnish European, 0.000085%; no homozygotes.

Submissions (2):

Ambry Genetics
Classification: Uncertain significance for Hereditary cancer-predisposing syndrome. Last evaluated: 2026-01-07. Review status: criteria provided, single submitter. Criteria: Ambry Variant Classification Scheme 2023. Collection method: clinical testing. Allele origin: germline.
Comment: The p.E1017Q variant (also known as c.3049G>C), located in coding exon 13 of the MET gene, results from a G to C substitution at nucleotide position 3049. The glutamic acid at codon 1017 is replaced by glutamine, an amino acid with highly similar properties. This amino acid position is highly conserved in available vertebrate species. In addition, the in silico prediction for this alteration is inconclusive. Based on the available evidence, the clinical significance of this variant remains unclear.

Mendelics
Classification: Uncertain significance for Renal cell carcinoma, papillary, 1. Last evaluated: 2018-07-02. Review status: criteria provided, single submitter. Criteria: Mendelics Assertion Criteria 2017. Collection method: clinical testing. Allele origin: unknown.

NM_000245.4(MET):c.2995G>C (p.Glu999Gln)

Gene: MET (MET proto-oncogene, receptor tyrosine kinase; plus strand). Cytogenetic location: 7q31.2.
Variant type: single nucleotide variant.
Coding change: c.2995G>C on transcript NM_000245.4 (MANE Select); coding-DNA position 2995, G replaced by C.
Protein change: p.Glu999Gln; replaces glutamic acid 999 with glutamine.
Molecular consequence: missense variant.
Genome position (GRCh38, 1-based): chr7:116,771,956, G>C. VCF-style: chr7-116771956-G-C. GRCh37 (hg19) VCF-style: chr7-116412010-G-C.
Other names: c.3049G>C, p.Glu1017Gln (NM_001127500.3); c.1705G>C, p.Glu569Gln (NM_001324402.2); c.3049G>C (NM_001127500.1); short protein forms E1017Q, E569Q, E999Q.
Identifiers: ClinVar variation 584718 (VCV000584718.3), dbSNP rs1404824650, ClinGen allele CA368987364.